The following is an entry in ClinVar:

NM_015335.5(MED13L):c.4025G>A (p.Arg1342His)

Gene: MED13L (mediator complex subunit 13L; minus strand). Cytogenetic location: 12q24.21.
Variant type: single nucleotide variant.
Coding change: c.4025G>A on transcript NM_015335.5 (MANE Select); coding-DNA position 4025, G replaced by A.
Protein change: p.Arg1342His; replaces arginine 1342 with histidine.
Molecular consequence: missense variant.
Genome position (GRCh38, 1-based): chr12:115,987,198, C>T on the plus strand (G>A on the coding strand, the complement: MED13L is on the minus strand). VCF-style: chr12-115987198-C-T. GRCh37 (hg19) VCF-style: chr12-116425003-C-T.
Other names: c.4025G>A (NM_015335.4); short protein forms R1342H.
Identifiers: ClinVar variation 2046106 (VCV002046106.5), dbSNP rs1157874688, ClinGen allele CA386885347.
Genomic context (GRCh38, chr12:115,987,198, plus strand): 5'-AACTGCTGCCAAGTGAGTGGTCCCTGCACATGCTGGATGTTCTCCCAGGTCCTGCCCGTG[C>T]GCTTCTTTTGGATGGCATCTTGGAGAAAGGGCTGCAGGGACAACAGCATACGAACCACAT-3'
Protein context (NP_056150.1, residues 1332-1352): PFLQDAIQKK[Arg1342His]TGRTWENIQH

ClinVar aggregate classification (germline): Conflicting classifications of pathogenicity. Review status: criteria provided, conflicting classifications (1 of 4 stars). 2 submissions from 2 submitters: Uncertain significance (1); Likely benign (1). Last evaluated 2025-08-11.

Conditions:
Inborn genetic diseases. Identifiers: MedGen C0950123, MeSH D030342.
Dextro-looped transposition of the great arteries. Also called: Dextrotransposition of the great arteries. Identifiers: Orphanet 860, MedGen C3531771, MONDO:0019443, OMIM 608808, HP:0031348.

Allele frequency attached by ClinVar (database versions not stated): TOPMed 0.00002; gnomAD exomes below 0.00001.
gnomAD v4.1: 8 of 1,613,952 alleles (0.0005%); highest among the groups gnomAD compares: Non-Finnish European, 0.00042%; no homozygotes.

Submissions (2):

Ambry Genetics
Classification: Likely benign for Inborn genetic diseases. Last evaluated: 2025-08-11. Review status: criteria provided, single submitter. Criteria: Ambry Variant Classification Scheme 2023. Collection method: clinical testing. Allele origin: germline.

Labcorp Genetics (formerly Invitae), Labcorp
Classification: Uncertain significance for Dextro-looped transposition of the great arteries. Last evaluated: 2022-11-10. Review status: criteria provided, single submitter. Criteria: Invitae Variant Classification Sherloc (09022015). Collection method: clinical testing. Allele origin: germline.
Comment: In summary, the available evidence is currently insufficient to determine the role of this variant in disease. Therefore, it has been classified as a Variant of Uncertain Significance. This sequence change replaces arginine, which is basic and polar, with histidine, which is basic and polar, at codon 1342 of the MED13L protein (p.Arg1342His). This variant is present in population databases (no rsID available, gnomAD 0.01%). This variant has not been reported in the literature in individuals affected with MED13L-related conditions. Advanced modeling of protein sequence and biophysical properties (such as structural, functional, and spatial information, amino acid conservation, physicochemical variation, residue mobility, and thermodynamic stability) performed at Invitae indicates that this missense variant is expected to disrupt MED13L protein function.